The following is an entry in ClinVar:

NM_000352.6(ABCC8):c.2461C>T (p.Gln821Ter)

Genes: ABCC8 (ATP binding cassette subfamily C member 8; minus strand), LOC110121471 (VISTA enhancer hs1977; plus strand). Cytogenetic location: 11p15.1.
Variant type: single nucleotide variant.
Coding change: c.2461C>T on transcript NM_000352.6 (MANE Select); coding-DNA position 2461, C replaced by T.
Protein change: p.Gln821Ter; replaces glutamine 821 with a stop codon.
Molecular consequence: nonsense. On other transcripts: non-coding transcript variant (1).
Genome position (GRCh38, 1-based): chr11:17,413,408, G>A on the plus strand (C>T on the coding strand, the complement: ABCC8 is on the minus strand). VCF-style: chr11-17413408-G-A. GRCh37 (hg19) VCF-style: chr11-17434955-G-A.
Other names: c.2464C>T, p.Gln822Ter (NM_001287174.3); c.2527C>T, p.Gln843Ter (NM_001351295.2); c.2461C>T, p.Gln821Ter (NM_001351296.2); c.2458C>T, p.Gln820Ter (NM_001351297.2); short protein forms Q820*, Q821*, Q822*, Q843*.
Identifiers: ClinVar variation 5018437 (VCV005018437.1).

ClinVar aggregate classification (germline): Pathogenic (1 of 4 stars; one submission).

Submission:

GeneDx
Classification: Pathogenic. Last evaluated: 2026-04-01. Review status: criteria provided, single submitter. Criteria: GeneDx Variant Classification Process June 2021. Collection method: clinical testing. Allele origin: germline.
Comment: Nonsense variant predicted to result in protein truncation or nonsense mediated decay in a gene for which loss of function is a known mechanism of disease; Not observed at significant frequency in large population cohorts (gnomAD); Also known as c.2464C>T p.Gln822X; This variant is associated with the following publications: (PMID: 23345197)